The following is an entry in ClinVar:

NM_001124758.3(SPNS2):c.1569G>C (p.Ala523=)

Gene: SPNS2 (SPNS lysolipid transporter 2, sphingosine-1-phosphate; plus strand). Cytogenetic location: 17p13.2.
Variant type: single nucleotide variant.
Coding change: c.1569G>C on transcript NM_001124758.3 (MANE Select); coding-DNA position 1569, G replaced by C.
Protein change: p.Ala523=; no amino-acid change (alanine 523 retained).
Molecular consequence: synonymous variant.
Genome position (GRCh38, 1-based): chr17:4,536,388, G>C. VCF-style: chr17-4536388-G-C. GRCh37 (hg19) VCF-style: chr17-4439683-G-C.
Identifiers: ClinVar variation 778655 (VCV000778655.29), dbSNP rs183074870, ClinGen allele CA8303492.

ClinVar aggregate classification (germline): Benign/Likely benign. Review status: criteria provided, multiple submitters, no conflicts (2 of 4 stars). 4 submissions from 4 submitters: Benign (2); Likely benign (1). 1 of the submissions does not count toward it. Last evaluated 2023-08-01.

Conditions:
SPNS2-related disorder. Also called: SPNS2-related condition.

Allele frequency attached by ClinVar (database versions not stated): 1000 Genomes Project 30x 0.00219; 1000 Genomes Project 0.00240; TOPMed 0.00483; ESP Exome Variant Server 0.00485.
gnomAD v4.1: 10,054 of 1,606,904 alleles (0.63%); highest among the groups gnomAD compares: Middle Eastern, 0.89%; 48 homozygotes.

Submissions (4):

CeGaT Center for Human Genetics Tuebingen
Classification: Likely benign. Last evaluated: 2023-08-01. Review status: criteria provided, single submitter. Criteria: CeGaT Center For Human Genetics Tuebingen Variant Classification Criteria Version 2. Collection method: clinical testing. Allele origin: germline. Affected: yes. Observed: 5 variant alleles.
Comment: SPNS2: BP4, BP7, BS2

Labcorp Genetics (formerly Invitae), Labcorp
Classification: Benign. Last evaluated: 2018-06-06. Review status: criteria provided, single submitter. Criteria: Invitae Variant Classification Sherloc (09022015). Collection method: clinical testing. Allele origin: germline.

Breakthrough Genomics
Classification: Benign. Review status: criteria provided, single submitter. Criteria: ACMG Guidelines, 2015. Collection method: not provided. Allele origin: germline. Inheritance: Autosomal recessive inheritance. Affected: yes.

PreventionGenetics, part of Exact Sciences
Classification: Benign for SPNS2-related condition. Last evaluated: 2019-11-07. Review status: no assertion criteria provided. Collection method: clinical testing. Allele origin: germline. Not counted in ClinVar's aggregate classification.
Comment: This variant is classified as benign based on ACMG/AMP sequence variant interpretation guidelines (Richards et al. 2015 PMID: 25741868, with internal and published modifications).